The following is an entry in ClinVar:

ClinVar aggregate classification (germline): Uncertain significance (1 of 4 stars; one submission).

Allele frequency attached by ClinVar (database versions not stated): TOPMed below 0.00001.
gnomAD v4.1: 11 of 1,605,612 alleles (0.00069%); highest among the groups gnomAD compares: Non-Finnish European, 0.00094%; no homozygotes.

Submission:

Labcorp Genetics (formerly Invitae), Labcorp
Classification: Uncertain significance. Last evaluated: 2023-02-22. Review status: criteria provided, single submitter. Criteria: Invitae Variant Classification Sherloc (09022015). Collection method: clinical testing. Allele origin: germline.
Comment: In summary, the available evidence is currently insufficient to determine the role of this variant in disease. Therefore, it has been classified as a Variant of Uncertain Significance. An algorithm developed to predict the effect of missense changes on protein structure and function (PolyPhen-2) suggests that this variant is likely to be tolerated. This variant has not been reported in the literature in individuals affected with KMT2E-related conditions. This variant is present in population databases (rs779938365, gnomAD 0.002%). This sequence change replaces threonine, which is neutral and polar, with lysine, which is basic and polar, at codon 1698 of the KMT2E protein (p.Thr1698Lys).

NM_182931.3(KMT2E):c.5093C>A (p.Thr1698Lys)

Gene: KMT2E (lysine methyltransferase 2E (inactive); plus strand). Cytogenetic location: 7q22.3.
Variant type: single nucleotide variant.
Coding change: c.5093C>A on transcript NM_182931.3 (MANE Select); coding-DNA position 5093, C replaced by A.
Protein change: p.Thr1698Lys; replaces threonine 1698 with lysine.
Molecular consequence: missense variant.
Genome position (GRCh38, 1-based): chr7:105,112,849, C>A. VCF-style: chr7-105112849-C-A. GRCh37 (hg19) VCF-style: chr7-104753296-C-A.
Other names: c.4967C>A, p.Thr1656Lys (NM_001410908.1); c.5093C>A, p.Thr1698Lys (NM_018682.4); short protein forms T1656K, T1698K.
Identifiers: ClinVar variation 2795091 (VCV002795091.3), dbSNP rs779938365, ClinGen allele CA4424912.